The following is an entry in ClinVar:

NM_000350.3(ABCA4):c.3525del

Gene: ABCA4 (ATP binding cassette subfamily A member 4; minus strand). Cytogenetic location: 1p22.1.
Variant type: Deletion.
Coding change: c.3525del on transcript NM_000350.3 (MANE Select); coding-DNA position 3525, one base deleted (G; older notation c.3525delG).
Molecular consequence: splice acceptor variant.
Genome position (GRCh38, 1-based): chr1:94,040,125, C deleted on the plus strand (G on the coding strand, the reverse complement: ABCA4 is on the minus strand); the first of 4 consecutive C bases (chr1:94,040,125-94,040,128); deleting any one gives the same sequence. VCF-style (leftmost placement, unchanged base first): chr1-94040124-TC-T. GRCh37 (hg19) VCF-style: chr1-94505680-TC-T.
Identifiers: ClinVar variation 5007255 (VCV005007255.2).

ClinVar aggregate classification (germline): Likely pathogenic (1 of 4 stars; one submission).

Conditions:
Cone-rod dystrophy 3 (CORD3). Identifiers: Orphanet 1872, MedGen C1858806, MONDO:0011395, OMIM 604116.
Retinitis pigmentosa 19 (RP19). Also called: ABCA4-Related Retinitis Pigmentosa. Identifiers: Orphanet 791, MedGen C1866422, MONDO:0011137, OMIM 601718.
Age related macular degeneration 2. Also called: MACULAR DEGENERATION, SENILE; MACULOPATHY, AGE-RELATED, 2; MACULOPATHY, AGE-RELATED. Identifiers: MedGen C3495438, MONDO:0007932, OMIM 153800.
Severe early-childhood-onset retinal dystrophy (STGD1). Also called: Stargardt macular dystrophy; Juvenile onset macular degeneration; Stargardt disease 1; MACULAR DYSTROPHY WITH FLECKS, TYPE 1; STGD. Identifiers: Orphanet 364055, Orphanet 827, MedGen C1855465, MeSH D000080362, MONDO:0009549, OMIM 248200.

Submission:

Juno Genomics, Hangzhou Juno Genomics, Inc
Classification: Likely pathogenic for Age related macular degeneration 2; Cone-rod dystrophy 3; Severe early-childhood-onset retinal dystrophy; Retinitis pigmentosa 19. Review status: criteria provided, single submitter. Criteria: ACMG Guidelines, 2015. Collection method: clinical testing. Allele origin: germline.
Comment: Null variant in a gene where loss of function (LOF) is a known mechanism of disease.;Absent from controls (or at extremely low frequency if recessive) in Genome Aggregation Database.